The following is an entry in ClinVar:

NM_005515.4(MNX1):c.58G>A (p.Ala20Thr)

Gene: MNX1 (motor neuron and pancreas homeobox 1; minus strand). Cytogenetic location: 7q36.3.
Variant type: single nucleotide variant.
Coding change: c.58G>A on transcript NM_005515.4 (MANE Select); coding-DNA position 58, G replaced by A.
Protein change: p.Ala20Thr; replaces alanine 20 with threonine.
Molecular consequence: missense variant.
Genome position (GRCh38, 1-based): chr7:157,010,293, C>T on the plus strand (G>A on the coding strand, the complement: MNX1 is on the minus strand). VCF-style: chr7-157010293-C-T. GRCh37 (hg19) VCF-style: chr7-156802987-C-T.
Other names: c.58G>A (NM_005515.3); short protein forms A20T.
Identifiers: ClinVar variation 3648045 (VCV003648045.3).
Genomic context (GRCh38, chr7:157,010,293, plus strand): 5'-CAGATGCGGCGGCGGCGAGCGACGTGACCAAGGCCAGCGGCGCGCTCTGCGCAGAGGCGG[C>T]TCGTGGGGGGTCCACCGCCAGCAGGGCGTCGATGCGGAAATTTTTGGATTTTTCCATCGG-3'
Protein context (NP_005506.3, residues 10-30): DALLAVDPPR[Ala20Thr]ASAQSAPLAL

ClinVar aggregate classification (germline): Uncertain significance. Review status: criteria provided, multiple submitters, no conflicts (2 of 4 stars). 2 submissions from 2 submitters: Uncertain significance (2). Last evaluated 2026-05-12.

Conditions:
Inborn genetic diseases. Identifiers: MedGen C0950123, MeSH D030342.

gnomAD v4.1: 5 of 1,573,448 alleles (0.00032%); highest among the groups gnomAD compares: East Asian, 0.0049%; no homozygotes.

Submissions (2):

Ambry Genetics
Classification: Uncertain significance for Inborn genetic diseases. Last evaluated: 2026-05-12. Review status: criteria provided, single submitter. Criteria: Ambry Variant Classification Scheme 2023. Collection method: clinical testing. Allele origin: germline.

Labcorp Genetics (formerly Invitae), Labcorp
Classification: Uncertain significance. Last evaluated: 2024-03-29. Review status: criteria provided, single submitter. Criteria: Invitae Variant Classification Sherloc (09022015). Collection method: clinical testing. Allele origin: germline.
Comment: This sequence change replaces alanine, which is neutral and non-polar, with threonine, which is neutral and polar, at codon 20 of the MNX1 protein (p.Ala20Thr). This variant is not present in population databases (gnomAD no frequency). This variant has not been reported in the literature in individuals affected with MNX1-related conditions. Advanced modeling of protein sequence and biophysical properties (such as structural, functional, and spatial information, amino acid conservation, physicochemical variation, residue mobility, and thermodynamic stability) performed at Invitae indicates that this missense variant is not expected to disrupt MNX1 protein function with a negative predictive value of 80%. In summary, the available evidence is currently insufficient to determine the role of this variant in disease. Therefore, it has been classified as a Variant of Uncertain Significance.